The following is an entry in ClinVar:

ClinVar aggregate classification (germline): Conflicting classifications of pathogenicity. Review status: criteria provided, conflicting classifications (1 of 4 stars). 8 submissions from 7 submitters: Uncertain significance (7); Likely benign (1). Last evaluated 2025-09-26.

Conditions:
Cardiovascular phenotype. Identifiers: MedGen CN230736.
Hereditary cancer-predisposing syndrome. Also called: Tumor predisposition; Hereditary Cancer Syndrome; Hereditary neoplastic syndrome; Neoplastic Syndromes, Hereditary. Identifiers: Orphanet 140162, MedGen C0027672, MeSH D009386, MONDO:0015356.
Neurofibromatosis, type 1 (NF1). Also called: VON RECKLINGHAUSEN DISEASE; NEUROFIBROMATOSIS, TYPE I, SOMATIC; Peripheral type neurofibromatosis; Neurofibromatosis, type I. Identifiers: Orphanet 636, MedGen C0027831, MONDO:0018975, OMIM 162200. Disease mechanism: loss of function.
Juvenile myelomonocytic leukemia (JMML). Also called: LEUKEMIA, JUVENILE MYELOMONOCYTIC, SOMATIC. Identifiers: Orphanet 86834, MedGen C0349639, MONDO:0011908, OMIM 607785, HP:0012209.

Allele frequency attached by ClinVar (database versions not stated): gnomAD 0.00001.
gnomAD v4.1: 4 of 1,613,746 alleles (0.00025%); highest among the groups gnomAD compares: Non-Finnish European, 0.00034%; no homozygotes.

Submissions (8):

GeneDx
Classification: Uncertain significance. Last evaluated: 2025-09-26. Review status: criteria provided, single submitter. Criteria: GeneDx Variant Classification Process June 2021. Collection method: clinical testing. Allele origin: germline. Affected: yes.
Comment: Not observed at significant frequency in large population cohorts (gnomAD); In silico analysis suggests that this missense variant does not alter protein structure/function; In silico analysis suggests this variant may impact gene splicing. In the absence of RNA/functional studies, the actual effect of this sequence change is unknown.; Has not been previously published as a germline pathogenic or benign variant in individual(s) with neurofibromatosis type 1 to our knowledge; This variant is associated with the following publications: (PMID: 24476948, 33935721, 25486365, 22807134, 32697994, 39596103)

Women's Health and Genetics/Laboratory Corporation of America, LabCorp
Classification: Uncertain significance. Last evaluated: 2025-04-09. Review status: criteria provided, single submitter. Criteria: LabCorp Variant Classification Summary - May 2015. Collection method: clinical testing. Allele origin: germline.
Comment: Variant summary: NF1 c.3749G>A (p.Arg1250Gln) results in a conservative amino acid change in the encoded protein sequence. Four of five in-silico tools predict a damaging effect of the variant on protein function. The variant was absent in 251346 control chromosomes. The available data on variant occurrences in the general population are insufficient to allow any conclusion about variant significance. To our knowledge, no occurrence of c.3749G>A in individuals affected with Neurofibromatosis Type 1 and no experimental evidence demonstrating its impact on protein function have been reported. ClinVar contains an entry for this variant (Variation ID: 233335). Based on the evidence outlined above, the variant was classified as uncertain significance.

Quest Diagnostics Nichols Institute San Juan Capistrano
Classification: Uncertain significance. Last evaluated: 2025-03-14. Review status: criteria provided, single submitter. Criteria: Quest Diagnostics criteria. Collection method: clinical testing. Allele origin: unknown.

Labcorp Genetics (formerly Invitae), Labcorp
Classification: Likely benign for Neurofibromatosis, type 1. Last evaluated: 2025-03-06. Review status: criteria provided, single submitter. Criteria: Invitae Variant Classification Sherloc (09022015). Collection method: clinical testing. Allele origin: germline.

Baylor Genetics
Classification: Uncertain significance for Juvenile myelomonocytic leukemia. Last evaluated: 2024-02-12. Review status: criteria provided, single submitter. Criteria: ACMG Guidelines, 2015. Collection method: clinical testing. Allele origin: unknown.

Genome-Nilou Lab
Classification: Uncertain significance for Neurofibromatosis, type 1. Last evaluated: 2022-03-15. Review status: criteria provided, single submitter. Criteria: ACMG Guidelines, 2015. Collection method: clinical testing. Allele origin: germline. Affected: no.

Ambry Genetics
Classification: Uncertain significance for Cardiovascular phenotype; Hereditary cancer-predisposing syndrome. Last evaluated: 2020-12-09. Review status: criteria provided, single submitter. Criteria: Ambry Variant Classification Scheme 2023. Collection method: clinical testing. Allele origin: germline.

Ambry Genetics
Classification: Uncertain significance for Hereditary cancer-predisposing syndrome. Last evaluated: 2015-08-10. Review status: criteria provided, single submitter. Criteria: Ambry Autosomal Dominant and X-Linked criteria (10/2015). Collection method: clinical testing. Allele origin: germline. Observed: 1 variant allele.
Comment: The p.R1250Q variant (also known as c.3749G>A), located in coding exon 28 of the NF1 gene, results from a G to A substitution at nucleotide position 3749. The arginine at codon 1250 is replaced by glutamine, an amino acid with highly similar properties. This alteration wasdetected in acohortof 30non-aneuploidfetuses and neonateswith diverse structural abnormalities first identified by prenatal ultrasound (CarssKJ et al.Hum Mol Genet. 2014 Jun 15;23(12):3269-77).This variant was not reported in population based cohorts in the following databases: Database of Single Nucleotide Polymorphisms (dbSNP), NHLBI Exome Sequencing Project (ESP), and 1000 Genomes Project. In the ESP, this variant was not observed in 6503 samples (13006 alleles) with coverage at this position. To date, this alteration has been detected with an allele frequency of approximately 0.002% (greater than 55000alleles tested) in our clinical cohort.This amino acid position is highly conserved in available vertebrate species. In addition, this alteration is predicted to be deleterious by in silico analysis.Since supporting evidence is limited at this time, the clinical significance of p.R1250Qremains unclear.

NM_001042492.3(NF1):c.3749G>A (p.Arg1250Gln)

Gene: NF1 (neurofibromin 1; plus strand). Cytogenetic location: 17q11.2.
Variant type: single nucleotide variant.
Coding change: c.3749G>A on transcript NM_001042492.3 (MANE Select); coding-DNA position 3749, G replaced by A.
Protein change: p.Arg1250Gln; replaces arginine 1250 with glutamine.
Molecular consequence: missense variant.
Genome position (GRCh38, 1-based): chr17:31,235,651, G>A. VCF-style: chr17-31235651-G-A. GRCh37 (hg19) VCF-style: chr17-29562669-G-A.
Other names: c.3749G>A, p.Arg1250Gln (NM_000267.4); short protein forms R1250Q.
Identifiers: ClinVar variation 233335 (VCV000233335.21), dbSNP rs199474765, ClinGen allele CA10580292.
Genomic context (GRCh38, chr17:31,235,651, plus strand): 5'-TGATTTTGTTTTGTTCTCAGGATGAACTAGCTCGAGTTCTGGTTACTCTGTTTGATTCTC[G>A]GCATTTACTCTACCAACTGCTCTGGAACATGTTTTCTAAAGAAGTAGAATTGGCAGACTC-3'
Protein context (NP_001035957.1, residues 1240-1260): ARVLVTLFDS[Arg1250Gln]HLLYQLLWNM